The following is an entry in ClinVar:

NM_000400.4(ERCC2):c.368C>T (p.Pro123Leu)

Gene: ERCC2 (ERCC excision repair 2, TFIIH core complex helicase subunit; minus strand). Cytogenetic location: 19q13.32.
Variant type: single nucleotide variant.
Coding change: c.368C>T on transcript NM_000400.4 (MANE Select); coding-DNA position 368, C replaced by T.
Protein change: p.Pro123Leu; replaces proline 123 with leucine.
Molecular consequence: missense variant.
Genome position (GRCh38, 1-based): chr19:45,365,151, G>A on the plus strand (C>T on the coding strand, the complement: ERCC2 is on the minus strand). VCF-style: chr19-45365151-G-A. GRCh37 (hg19) VCF-style: chr19-45868409-G-A.
Other names: c.296C>T, p.Pro99Leu (NM_001130867.2); short protein forms P123L, P99L.
Identifiers: ClinVar variation 1733950 (VCV001733950.3), dbSNP rs747619345, ClinGen allele CA9513810.
Genomic context (GRCh38, chr19:45,365,151, plus strand): 5'-CGCACATAGGAGGCTGTGAGGCTGTGGCATTTCCCATCGACGTCCTTCCCAAAGCGCAGG[G>A]GTGTCACCTGGGGGTGTGGGGCATCTTAGCACCCAGACAGGGTGGAAACCCAACCACTCT-3'
Protein context (NP_000391.1, residues 113-133): KNLCIHPEVT[Pro123Leu]LRFGKDVDGK

ClinVar aggregate classification (germline): Uncertain significance (1 of 4 stars; one submission).

Conditions:
Inborn genetic diseases. Identifiers: MedGen C0950123, MeSH D030342.

Allele frequency attached by ClinVar (database versions not stated): gnomAD exomes below 0.00001; ExAC 0.00001.
gnomAD v4.1: 5 of 1,613,818 alleles (0.00031%); highest among the groups gnomAD compares: Non-Finnish European, 0.00042%; no homozygotes.

Submission:

Ambry Genetics
Classification: Uncertain significance for Inborn genetic diseases. Last evaluated: 2024-04-20. Review status: criteria provided, single submitter. Criteria: Ambry Variant Classification Scheme 2023. Collection method: clinical testing. Allele origin: germline.
Comment: The p.P123L variant (also known as c.368C>T), located in coding exon 6 of the ERCC2 gene, results from a C to T substitution at nucleotide position 368. The proline at codon 123 is replaced by leucine, an amino acid with similar properties. This amino acid position is conserved. In addition, the in silico prediction for this alteration is inconclusive. Since supporting evidence is limited at this time, the clinical significance of this alteration remains unclear.